The following is an entry in ClinVar:

NM_001458.5(FLNC):c.3242C>G (p.Ala1081Gly)

Gene: FLNC (filamin C; plus strand). Cytogenetic location: 7q32.1.
Variant type: single nucleotide variant.
Coding change: c.3242C>G on transcript NM_001458.5 (MANE Select); coding-DNA position 3242, C replaced by G.
Protein change: p.Ala1081Gly; replaces alanine 1081 with glycine.
Molecular consequence: missense variant.
Genome position (GRCh38, 1-based): chr7:128,844,707, C>G. VCF-style: chr7-128844707-C-G. GRCh37 (hg19) VCF-style: chr7-128484761-C-G.
Other names: c.3242C>G, p.Ala1081Gly (NM_001127487.2); short protein forms A1081G.
Identifiers: ClinVar variation 2574789 (VCV002574789.1), dbSNP rs200169573, ClinGen allele CA369196268.

ClinVar aggregate classification (germline): Uncertain significance (1 of 4 stars; one submission).

Submission:

GeneDx
Classification: Uncertain significance. Last evaluated: 2023-02-01. Review status: criteria provided, single submitter. Criteria: GeneDx Variant Classification Process June 2021. Collection method: clinical testing. Allele origin: germline. Affected: yes.
Comment: Not observed at significant frequency in large population cohorts (gnomAD); In silico analysis supports that this missense variant has a deleterious effect on protein structure/function; Has not been previously published as pathogenic or benign to our knowledge